The following is an entry in ClinVar:

ClinVar aggregate classification (germline): Pathogenic/Likely pathogenic. Review status: criteria provided, multiple submitters, no conflicts (2 of 4 stars). 2 submissions from 2 submitters: Pathogenic (1); Likely pathogenic (1). Last evaluated 2024-03-14.

Conditions:
Retinitis pigmentosa 39 (RP39). Identifiers: Orphanet 791, MedGen C3151138, MONDO:0013436, OMIM 613809.
Usher syndrome type 2A. Also called: RETINAL DISEASE IN USHER SYNDROME TYPE IIA, MODIFIER OF; USHER SYNDROME, TYPE IIA. Identifiers: Orphanet 231178, Orphanet 886, MedGen C1848634, MONDO:0010169, OMIM 276901.

Submissions (2):

Fulgent Genetics
Classification: Likely pathogenic for Usher syndrome type 2A; Retinitis pigmentosa 39. Last evaluated: 2024-03-14. Review status: criteria provided, single submitter. Criteria: ACMG Guidelines, 2015. Collection method: clinical testing. Allele origin: germline.

Labcorp Genetics (formerly Invitae), Labcorp
Classification: Pathogenic. Last evaluated: 2019-08-25. Review status: criteria provided, single submitter. Criteria: Invitae Variant Classification Sherloc (09022015). Collection method: clinical testing. Allele origin: germline.
Comment: This sequence change creates a premature translational stop signal (p.Gln2778*) in the USH2A gene. It is expected to result in an absent or disrupted protein product. This variant is not present in population databases (ExAC no frequency). This variant has not been reported in the literature in individuals with USH2A-related conditions. Loss-of-function variants in USH2A are known to be pathogenic (PMID: 10729113, 10909849, 20507924, 25649381). For these reasons, this variant has been classified as Pathogenic.

Literature cited by the submitters: PubMed 10729113 (cited by Labcorp Genetics (formerly Invitae), Labcorp); PubMed 10909849 (cited by Labcorp Genetics (formerly Invitae), Labcorp); PubMed 20507924 (cited by Labcorp Genetics (formerly Invitae), Labcorp); PubMed 25649381 (cited by Labcorp Genetics (formerly Invitae), Labcorp).

NM_206933.4(USH2A):c.8332C>T (p.Gln2778Ter)

Gene: USH2A (usherin; minus strand). Cytogenetic location: 1q41.
Variant type: single nucleotide variant.
Coding change: c.8332C>T on transcript NM_206933.4 (MANE Select); coding-DNA position 8332, C replaced by T.
Protein change: p.Gln2778Ter; replaces glutamine 2778 with a stop codon.
Molecular consequence: nonsense.
Genome position (GRCh38, 1-based): chr1:215,878,990, G>A on the plus strand (C>T on the coding strand, the complement: USH2A is on the minus strand). VCF-style: chr1-215878990-G-A. GRCh37 (hg19) VCF-style: chr1-216052332-G-A.
Other names: short protein forms Q2778*.
Identifiers: ClinVar variation 954625 (VCV000954625.8), dbSNP rs1664842535, ClinGen allele CA344832026.